The following is an entry in ClinVar:

NM_000222.3(KIT):c.2707A>G (p.Met903Val)

Gene: KIT (KIT proto-oncogene, receptor tyrosine kinase; plus strand). Cytogenetic location: 4q12.
Variant type: single nucleotide variant.
Coding change: c.2707A>G on transcript NM_000222.3 (MANE Select); coding-DNA position 2707, A replaced by G.
Protein change: p.Met903Val; replaces methionine 903 with valine.
Molecular consequence: missense variant.
Genome position (GRCh38, 1-based): chr4:54,737,185, A>G. VCF-style: chr4-54737185-A-G. GRCh37 (hg19) VCF-style: chr4-55603351-A-G.
Other names: c.2695A>G, p.Met899Val (NM_001093772.2, NM_001385292.1); c.2710A>G, p.Met904Val (NM_001385284.1); c.2704A>G, p.Met902Val (NM_001385285.1); c.2692A>G, p.Met898Val (NM_001385286.1); c.2698A>G, p.Met900Val (NM_001385288.1); c.2707A>G, p.Met903Val (NM_001385290.1); short protein forms M899V, M903V, M900V, M902V, M898V, M904V.
Identifiers: ClinVar variation 2792787 (VCV002792787.4), dbSNP rs779966930, ClinGen allele CA2923842.

ClinVar aggregate classification (germline): Uncertain significance. Review status: criteria provided, multiple submitters, no conflicts (2 of 4 stars). 2 submissions from 2 submitters: Uncertain significance (2). Last evaluated 2024-05-18.

Conditions:
Gastrointestinal stromal tumor. Also called: Gastrointestinal stromal tumor, somatic; Gastrointestinal stroma tumor. Identifiers: Orphanet 44890, MedGen C0238198, MeSH D046152, MONDO:0011719, OMIM 606764, HP:0100723.
Hereditary cancer-predisposing syndrome. Also called: Neoplastic Syndromes, Hereditary; Tumor predisposition; Hereditary Cancer Syndrome; Hereditary neoplastic syndrome. Identifiers: Orphanet 140162, MedGen C0027672, MeSH D009386, MONDO:0015356.

Allele frequency attached by ClinVar (database versions not stated): ExAC 0.00001.
gnomAD v4.1: 2 of 1,611,792 alleles (0.00012%); highest among the groups gnomAD compares: Admixed American, 0.0033%; no homozygotes.

Submissions (2):

Labcorp Genetics (formerly Invitae), Labcorp
Classification: Uncertain significance for Gastrointestinal stromal tumor. Last evaluated: 2024-05-18. Review status: criteria provided, single submitter. Criteria: Invitae Variant Classification Sherloc (09022015). Collection method: clinical testing. Allele origin: germline.
Comment: This sequence change replaces methionine, which is neutral and non-polar, with valine, which is neutral and non-polar, at codon 903 of the KIT protein (p.Met903Val). This variant is present in population databases (rs779966930, gnomAD 0.006%). This variant has not been reported in the literature in individuals affected with KIT-related conditions. An algorithm developed to predict the effect of missense changes on protein structure and function (PolyPhen-2) suggests that this variant is likely to be disruptive. In summary, the available evidence is currently insufficient to determine the role of this variant in disease. Therefore, it has been classified as a Variant of Uncertain Significance.

Ambry Genetics
Classification: Uncertain significance for Hereditary cancer-predisposing syndrome. Last evaluated: 2024-03-17. Review status: criteria provided, single submitter. Criteria: Ambry Variant Classification Scheme 2023. Collection method: clinical testing. Allele origin: germline.
Comment: The p.M903V variant (also known as c.2707A>G), located in coding exon 20 of the KIT gene, results from an A to G substitution at nucleotide position 2707. The methionine at codon 903 is replaced by valine, an amino acid with highly similar properties. This amino acid position is conserved. In addition, this alteration is predicted to be deleterious by in silico analysis. Based on the available evidence, the clinical significance of this alteration remains unclear.